The following is an entry in ClinVar:

ClinVar aggregate classification (germline): Pathogenic. Review status: criteria provided, multiple submitters, no conflicts (2 of 4 stars). 2 submissions from 2 submitters: Pathogenic (2). Last evaluated 2023-11-27.

Conditions:
Chromosome 2q32-q33 deletion syndrome (GLASS). Also called: Glass syndrome; 2q33.1 deletion syndrome. Identifiers: Orphanet 251019, MedGen C2676739, MONDO:0012864, OMIM 612313.

Submissions (2):

Labcorp Genetics (formerly Invitae), Labcorp
Classification: Pathogenic for Chromosome 2q32-q33 deletion syndrome. Last evaluated: 2023-11-27. Review status: criteria provided, single submitter. Criteria: Invitae Variant Classification Sherloc (09022015). Collection method: clinical testing. Allele origin: germline.
Comment: This sequence change creates a premature translational stop signal (p.Tyr106*) in the SATB2 gene. It is expected to result in an absent or disrupted protein product. Loss-of-function variants in SATB2 are known to be pathogenic (PMID: 25885067). This variant is not present in population databases (gnomAD no frequency). This variant has not been reported in the literature in individuals affected with SATB2-related conditions. ClinVar contains an entry for this variant (Variation ID: 973276). For these reasons, this variant has been classified as Pathogenic.

Illumina Laboratory Services, Illumina
Classification: Pathogenic for Chromosome 2q32-q33 deletion syndrome. Last evaluated: 2020-03-13. Review status: criteria provided, single submitter. Criteria: ICSLVariantClassificationCriteria RUGD 01 April 2020. Collection method: clinical testing. Allele origin: unknown.
Comment: The SATB2 c.318T>G (p.Tyr106Ter) variant is a stop-gained variant that is predicted to result in an absent or prematurely truncated protein. A literature search was performed for the gene, cDNA change, and amino acid change. No publications were found based on this search. This variant is not found in the Genome Aggregation Database in a region of good sequencing coverage, so the variant is presumed to be rare. Based on the predicted impact of loss of function variants in the SATB2 gene, the variant's rarity, and its identification in a de novo state, the p.Tyr106Ter variant is classified as pathogenic for SATB2-associated syndrome.

Literature cited by the submitters: PubMed 25885067 (cited by Labcorp Genetics (formerly Invitae), Labcorp).

NM_001172509.2(SATB2):c.318T>G (p.Tyr106Ter)

Gene: SATB2 (SATB homeobox 2; minus strand). Cytogenetic location: 2q33.1.
Variant type: single nucleotide variant.
Coding change: c.318T>G on transcript NM_001172509.2 (MANE Select); coding-DNA position 318, T replaced by G.
Protein change: p.Tyr106Ter; replaces tyrosine 106 with a stop codon.
Molecular consequence: nonsense. On other transcripts: non-coding transcript variant (1).
Genome position (GRCh38, 1-based): chr2:199,433,366, A>C on the plus strand (T>G on the coding strand, the complement: SATB2 is on the minus strand). VCF-style: chr2-199433366-A-C. GRCh37 (hg19) VCF-style: chr2-200298089-A-C.
Other names: c.318T>G, p.Tyr106Ter (NM_001172517.1, NM_015265.4); short protein forms Y106*.
Identifiers: ClinVar variation 973276 (VCV000973276.7), dbSNP rs1330378388, ClinGen allele CA350386673.